The following is an entry in ClinVar:

ClinVar aggregate classification (germline): Uncertain significance. Review status: criteria provided, multiple submitters, no conflicts (2 of 4 stars). 2 submissions from 2 submitters: Uncertain significance (2). Last evaluated 2023-05-22.

Conditions:
Autosomal recessive ataxia, Beauce type. Also called: ATAXIA, RECESSIVE, OF BEAUCE; Spinocerebellar ataxia, autosomal recessive 8; SYNE1-Related Autosomal Recessive Cerebellar Ataxia; SYNE1 Deficiency. Identifiers: Orphanet 88644, MedGen C1853116, MONDO:0012549, OMIM 610743.
Emery-Dreifuss muscular dystrophy 4, autosomal dominant (EDMD4). Also called: EMERY-DREIFUSS MUSCULAR DYSTROPHY 4 WITH VARIABLE FEATURES. Identifiers: Orphanet 261, MedGen C2751807, MONDO:0013071, OMIM 612998.

gnomAD v4.1: 16 of 1,614,224 alleles (0.00099%); highest among the groups gnomAD compares: Non-Finnish European, 0.0014%; no homozygotes.

Submissions (2):

Labcorp Genetics (formerly Invitae), Labcorp
Classification: Uncertain significance for Emery-Dreifuss muscular dystrophy 4, autosomal dominant; Autosomal recessive ataxia, Beauce type. Last evaluated: 2023-05-22. Review status: criteria provided, single submitter. Criteria: Invitae Variant Classification Sherloc (09022015). Collection method: clinical testing. Allele origin: germline.
Comment: This sequence change replaces histidine, which is basic and polar, with arginine, which is basic and polar, at codon 5074 of the SYNE1 protein (p.His5074Arg). This variant is not present in population databases (gnomAD no frequency). This variant has not been reported in the literature in individuals affected with SYNE1-related conditions. ClinVar contains an entry for this variant (Variation ID: 1027461). An algorithm developed to predict the effect of missense changes on protein structure and function (PolyPhen-2) suggests that this variant is likely to be disruptive. In summary, the available evidence is currently insufficient to determine the role of this variant in disease. Therefore, it has been classified as a Variant of Uncertain Significance.

Molecular Medicine for Neurodegenerative and Neuromuscular Diseases Unit, IRCCS Fondazione Stella Maris
Classification: Uncertain significance for Autosomal recessive ataxia, Beauce type. Last evaluated: 2021-07-12. Review status: criteria provided, single submitter. Criteria: ACMG Guidelines, 2015. Collection method: research. Allele origin: unknown. Affected: yes.

NM_182961.4(SYNE1):c.15434A>G (p.His5145Arg)

Gene: SYNE1 (spectrin repeat containing nuclear envelope protein 1; minus strand). Cytogenetic location: 6q25.2.
Variant type: single nucleotide variant.
Coding change: c.15434A>G on transcript NM_182961.4 (MANE Select); coding-DNA position 15434, A replaced by G.
Protein change: p.His5145Arg; replaces histidine 5145 with arginine.
Molecular consequence: missense variant.
Genome position (GRCh38, 1-based): chr6:152,325,962, T>C on the plus strand (A>G on the coding strand, the complement: SYNE1 is on the minus strand). VCF-style: chr6-152325962-T-C. GRCh37 (hg19) VCF-style: chr6-152647097-T-C.
Other names: c.15221A>G, p.His5074Arg (NM_033071.5); short protein forms H5074R, H5145R.
Identifiers: ClinVar variation 1027461 (VCV001027461.6), dbSNP rs2153952625, ClinGen allele CA366092284.